The following is an entry in ClinVar:

ClinVar aggregate classification (germline): Uncertain significance. Review status: criteria provided, multiple submitters, no conflicts (2 of 4 stars). 2 submissions from 2 submitters: Uncertain significance (2). Last evaluated 2026-01-21.

Conditions:
DNMT1-related disorder. Also called: DNMT1-related condition. Identifiers: MedGen CN381527.
Hereditary sensory neuropathy-deafness-dementia syndrome. Also called: Hereditary Sensory and Autonomic Neuropathy Type 1E (HSAN1E); HSN IE; Hereditary sensory neuropathy type IE; NEUROPATHY, HEREDITARY SENSORY, WITH HEARING LOSS AND DEMENTIA. Identifiers: Orphanet 456318, MedGen C3279885, MONDO:0013584, OMIM 614116.

Allele frequency attached by ClinVar (database versions not stated): gnomAD exomes 0.00001; ExAC 0.00002; gnomAD 0.00002; TOPMed 0.00002.
gnomAD v4.1: 6 of 1,614,112 alleles (0.00037%); highest among the groups gnomAD compares: Non-Finnish European, 0.00051%; no homozygotes.

Submissions (2):

Labcorp Genetics (formerly Invitae), Labcorp
Classification: Uncertain significance for Hereditary sensory neuropathy-deafness-dementia syndrome. Last evaluated: 2026-01-21. Review status: criteria provided, single submitter. Criteria: Invitae Variant Classification Sherloc (09022015). Collection method: clinical testing. Allele origin: germline.
Comment: This sequence change replaces proline, which is neutral and non-polar, with leucine, which is neutral and non-polar, at codon 367 of the DNMT1 protein (p.Pro367Leu). This variant is present in population databases (rs756138932, gnomAD 0.002%). This variant has not been reported in the literature in individuals affected with DNMT1-related conditions. ClinVar contains an entry for this variant (Variation ID: 968789). Invitae Evidence Modeling of protein sequence and biophysical properties (such as structural, functional, and spatial information, amino acid conservation, physicochemical variation, residue mobility, and thermodynamic stability) indicates that this missense variant is not expected to disrupt DNMT1 protein function with a negative predictive value of 80%. In summary, the available evidence is currently insufficient to determine the role of this variant in disease. Therefore, it has been classified as a Variant of Uncertain Significance.

PreventionGenetics, part of Exact Sciences
Classification: Uncertain significance for DNMT1-related condition. Last evaluated: 2025-12-01. Review status: criteria provided, single submitter. Criteria: ACMG Guidelines, 2015. Collection method: clinical testing. Allele origin: germline.
Comment: The DNMT1 c.1100C>T variant is predicted to result in the amino acid substitution p.Pro367Leu. To our knowledge, this variant has not been reported in the literature. This variant is reported in 0.0023% of alleles in individuals of European (Non-Finnish) descent in gnomAD. At this time, the clinical significance of this variant is uncertain due to the absence of conclusive functional and genetic evidence.

NM_001130823.3(DNMT1):c.1100C>T (p.Pro367Leu)

Gene: DNMT1 (DNA methyltransferase 1; minus strand). Cytogenetic location: 19p13.2.
Variant type: single nucleotide variant.
Coding change: c.1100C>T on transcript NM_001130823.3 (MANE Select); coding-DNA position 1100, C replaced by T.
Protein change: p.Pro367Leu; replaces proline 367 with leucine.
Molecular consequence: missense variant.
Genome position (GRCh38, 1-based): chr19:10,159,912, G>A on the plus strand (C>T on the coding strand, the complement: DNMT1 is on the minus strand). VCF-style: chr19-10159912-G-A. GRCh37 (hg19) VCF-style: chr19-10270588-G-A.
Other names: c.1052C>T, p.Pro351Leu (NM_001318730.2, NM_001379.4); c.737C>T, p.Pro246Leu (NM_001318731.2); c.1100C>T (NM_001130823.2); short protein forms P246L, P351L, P367L.
Identifiers: ClinVar variation 968789 (VCV000968789.8), dbSNP rs756138932, ClinGen allele CA9188380.